The following is an entry in ClinVar:

NM_002880.4(RAF1):c.579C>T (p.Leu193=)

Gene: RAF1 (Raf-1 proto-oncogene, serine/threonine kinase; minus strand). Cytogenetic location: 3p25.2.
Variant type: single nucleotide variant.
Coding change: c.579C>T on transcript NM_002880.4 (MANE Select); coding-DNA position 579, C replaced by T.
Protein change: p.Leu193=; no amino-acid change (leucine 193 retained).
Molecular consequence: synonymous variant. On other transcripts: non-coding transcript variant (3).
Genome position (GRCh38, 1-based): chr3:12,608,768, G>A on the plus strand (C>T on the coding strand, the complement: RAF1 is on the minus strand). VCF-style: chr3-12608768-G-A. GRCh37 (hg19) VCF-style: chr3-12650267-G-A.
Other names: c.579C>T, p.Leu193= (NM_001354689.3, NM_001354690.3, NM_001354693.3); c.336C>T, p.Leu112= (NM_001354691.3, NM_001354692.3, NM_001354694.3 and 1 more transcripts).
Identifiers: ClinVar variation 705307 (VCV000705307.23), dbSNP rs751223840, ClinGen allele CA2259745.

ClinVar aggregate classification (germline): Likely benign. Review status: criteria provided, multiple submitters, no conflicts (2 of 4 stars). 3 submissions from 3 submitters: Likely benign (3). Last evaluated 2025-12-09.

Conditions:
RASopathy. Also called: rasopathies; Noonan spectrum disorder. Identifiers: Orphanet 536391, MedGen C5555857, MONDO:0021060.
Cardiovascular phenotype. Identifiers: MedGen CN230736.

Allele frequency attached by ClinVar (database versions not stated): gnomAD exomes below 0.00001; ExAC 0.00001.

Submissions (3):

Labcorp Genetics (formerly Invitae), Labcorp
Classification: Likely benign for RASopathy. Last evaluated: 2025-12-09. Review status: criteria provided, single submitter. Criteria: Invitae Variant Classification Sherloc (09022015). Collection method: clinical testing. Allele origin: germline.

CeGaT Center for Human Genetics Tuebingen
Classification: Likely benign. Last evaluated: 2024-11-01. Review status: criteria provided, single submitter. Criteria: CeGaT Center For Human Genetics Tuebingen Variant Classification Criteria Version 2. Collection method: clinical testing. Allele origin: germline. Affected: yes. Observed: 1 variant allele.
Comment: RAF1: BP4, BP7

Ambry Genetics
Classification: Likely benign for Cardiovascular phenotype. Last evaluated: 2024-04-13. Review status: criteria provided, single submitter. Criteria: Ambry Variant Classification Scheme 2023. Collection method: clinical testing. Allele origin: germline.